The following is an entry in ClinVar:

ClinVar aggregate classification (germline): Uncertain significance (1 of 4 stars; one submission).

Submission:

Labcorp Genetics (formerly Invitae), Labcorp
Classification: Uncertain significance. Last evaluated: 2022-05-17. Review status: criteria provided, single submitter. Criteria: Invitae Variant Classification Sherloc (09022015). Collection method: clinical testing. Allele origin: germline.
Comment: This variant has not been reported in the literature in individuals affected with FXYD2-related conditions. In summary, the available evidence is currently insufficient to determine the role of this variant in disease. Therefore, it has been classified as a Variant of Uncertain Significance. Algorithms developed to predict the effect of sequence changes on RNA splicing suggest that this variant may disrupt the consensus splice site. This variant is not present in population databases (gnomAD no frequency). This sequence change falls in intron 3 of the FXYD2 gene. It does not directly change the encoded amino acid sequence of the FXYD2 protein.

NM_001680.5(FXYD2):c.140-11_140-7del

Genes: FXYD2 (FXYD domain containing ion transport regulator 2; minus strand), FXYD6-FXYD2 (FXYD6-FXYD2 readthrough; minus strand). Cytogenetic location: 11q23.3.
Variant type: Deletion.
Coding change: c.140-11_140-7del on transcript NM_001680.5 (MANE Select); 11 bases into the intron before coding-DNA position 140 through 7 bases into the intron before coding-DNA position 140, 5 bases deleted (CTCTT; older notation c.140-11_140-7delCTCTT).
Molecular consequence: intron variant.
Genome position (GRCh38, 1-based): chr11:117,820,902-117,820,906, AAGAG deleted on the plus strand (CTCTT on the coding strand, the reverse complement: FXYD2 is on the minus strand); deleting any 5 consecutive bases within chr11:117,820,902-117,820,908 gives the same sequence; the c. name uses the placement nearest the transcript's 3' end. VCF-style (leftmost placement, unchanged base first): chr11-117820901-AAAGAG-A. GRCh37 (hg19) VCF-style: chr11-117691616-AAAGAG-A.
Other names: c.374-11_374-7del (NM_001204268.3); c.134-11_134-7del (NM_021603.4); c.312-11_312-7del (NM_001243598.4).
Identifiers: ClinVar variation 1961134 (VCV001961134.5), dbSNP rs1275854426, ClinGen allele CA672278169.
Genomic context (GRCh38, chr11:117,820,901, plus strand): 5'-ACCCCAGGCAGCGCTCACCTGCGCTTCTTATTGCCCCCACAGCGGAATCTTCTGCCTTGA[AAAGAG>A]AAAAGGAGATTTGTTTCCATGGACTAATTTTCCAAGGAGACCCTGGAAGACTCAAAATTC-3'